The following is an entry in ClinVar:

ClinVar aggregate classification (germline): Uncertain significance (1 of 4 stars; one submission).

Conditions:
Hereditary cancer-predisposing syndrome. Also called: Neoplastic Syndromes, Hereditary; Tumor predisposition; Hereditary Cancer Syndrome; Hereditary neoplastic syndrome. Identifiers: Orphanet 140162, MedGen C0027672, MeSH D009386, MONDO:0015356.

Submission:

Ambry Genetics
Classification: Uncertain significance for Hereditary cancer-predisposing syndrome. Last evaluated: 2024-10-25. Review status: criteria provided, single submitter. Criteria: Ambry Variant Classification Scheme 2023. Collection method: clinical testing. Allele origin: germline.
Comment: The p.T52S variant (also known as c.154A>T), located in coding exon 2 of the PMS2 gene, results from an A to T substitution at nucleotide position 154. The threonine at codon 52 is replaced by serine, an amino acid with similar properties. This amino acid position is conserved. In addition, the in silico prediction for this alteration is inconclusive. Based on the available evidence, the clinical significance of this variant remains unclear.

NM_000535.7(PMS2):c.154A>T (p.Thr52Ser)

Gene: PMS2 (PMS1 homolog 2, mismatch repair system component; minus strand). Cytogenetic location: 7p22.1.
Variant type: single nucleotide variant.
Coding change: c.154A>T on transcript NM_000535.7 (MANE Select); coding-DNA position 154, A replaced by T.
Protein change: p.Thr52Ser; replaces threonine 52 with serine.
Molecular consequence: missense variant. On other transcripts: 5 prime UTR variant (38), non-coding transcript variant (1), intron variant (7).
Genome position (GRCh38, 1-based): chr7:6,005,901, T>A on the plus strand (A>T on the coding strand, the complement: PMS2 is on the minus strand). VCF-style: chr7-6005901-T-A. GRCh37 (hg19) VCF-style: chr7-6045532-T-A.
Other names: c.-252A>T (NM_001322003.2, NM_001322005.2, NM_001322009.2 and 10 more transcripts); c.154A>T, p.Thr52Ser (NM_001322006.2, NM_001322014.2, NM_001406868.1 and 10 more transcripts); c.-62A>T (NM_001322007.2, NM_001406876.1, NM_001406883.1 and 4 more transcripts); c.-731A>T (NM_001322011.2, NM_001322012.2); c.-331A>T (NM_001322015.2, NM_001406875.1, NM_001406877.1 and 2 more transcripts); c.340A>T, p.Thr114Ser (NM_001406866.1); c.-278A>T (NM_001406880.1); c.-199A>T (NM_001406888.1, NM_001406889.1, NM_001406892.1 and 5 more transcripts); and 7 more; short protein forms T114S, T52S.
Identifiers: ClinVar variation 3421529 (VCV003421529.1).